The following is an entry in ClinVar:

NM_001276345.2(TNNT2):c.*31del

Gene: TNNT2 (troponin T2, cardiac type; minus strand). Cytogenetic location: 1q32.1.
Variant type: Deletion.
Coding change: c.*31del on transcript NM_001276345.2 (MANE Select); 31 bases downstream of the stop codon, one base deleted (C; older notation c.*31delC).
Molecular consequence: 3 prime UTR variant.
Genome position (GRCh38, 1-based): chr1:201,359,179, G deleted on the plus strand (C on the coding strand, the reverse complement: TNNT2 is on the minus strand); the first of 2 consecutive G bases (chr1:201,359,179-201,359,180); deleting either gives the same sequence. VCF-style (leftmost placement, unchanged base first): chr1-201359178-AG-A. GRCh37 (hg19) VCF-style: chr1-201328306-AG-A.
Other names: c.*31del (NM_000364.4, NM_001001430.3, NM_001001431.3 and 4 more transcripts).
Identifiers: ClinVar variation 1275654 (VCV001275654.2), dbSNP rs776968084, ClinGen allele CA027558.

ClinVar aggregate classification (germline): Benign/Likely benign. Review status: criteria provided, multiple submitters, no conflicts (2 of 4 stars). 2 submissions from 2 submitters: Benign (1); Likely benign (1). Last evaluated 2025-04-09.

Submissions (2):

Molecular Diagnostic Laboratory for Inherited Cardiovascular Disease, Montreal Heart Institute
Classification: Likely benign. Last evaluated: 2025-04-09. Review status: criteria provided, single submitter. Criteria: ACMG Guidelines, 2015. Collection method: clinical testing. Allele origin: germline. Affected: no.
Comment: BP6

GeneDx
Classification: Benign. Last evaluated: 2015-03-03. Review status: criteria provided, single submitter. Criteria: GeneDx Variant Classification Process June 2021. Collection method: clinical testing. Allele origin: germline. Affected: yes.